The following is an entry in ClinVar:

ClinVar aggregate classification (germline): Uncertain significance. Review status: criteria provided, multiple submitters, no conflicts (2 of 4 stars). 2 submissions from 2 submitters: Uncertain significance (2). Last evaluated 2024-03-19.

Conditions:
Proline dehydrogenase deficiency (HYRPRO1). Also called: PROLINE OXIDASE DEFICIENCY; Hyperprolinemia type 1. Identifiers: Orphanet 419, MedGen C0268529, MONDO:0009400, OMIM 239500.
Schizophrenia 4 (SCZD4). Also called: SCHIZOPHRENIA SUSCEPTIBILITY LOCUS, CHROMOSOME 22q11-RELATED; SCHIZOPHRENIA, SUSCEPTIBILITY TO, 4. Identifiers: MedGen C1833247, MONDO:0010943, OMIM 600850.

Allele frequency attached by ClinVar (database versions not stated): gnomAD exomes 0.00001.

Submissions (2):

Fulgent Genetics
Classification: Uncertain significance for Proline dehydrogenase deficiency; Schizophrenia 4. Last evaluated: 2024-03-19. Review status: criteria provided, single submitter. Criteria: ACMG Guidelines, 2015. Collection method: clinical testing. Allele origin: germline.

Labcorp Genetics (formerly Invitae), Labcorp
Classification: Uncertain significance for Proline dehydrogenase deficiency. Last evaluated: 2016-09-14. Review status: criteria provided, single submitter. Criteria: Invitae Variant Classification Sherloc (09022015). Collection method: clinical testing. Allele origin: germline.
Comment: This sequence change replaces alanine with threonine at codon 336 of the PRODH protein (p.Ala336Thr). The alanine residue is weakly conserved and there is a small physicochemical difference between alanine and threonine. This variant is not present in population databases (ExAC no frequency) and has not been reported in the literature in individuals with a PRODH-related disease. Algorithms developed to predict the effect of missense changes on protein structure and function output the following: (SIFT: "Tolerated"; PolyPhen-2: "Benign"; Align-GVGD: "Class C0"). The threonine amino acid residue is also found in multiple mammalian species, suggesting that this missense change does not adversely affect protein function. These predictions have not been confirmed by published functional studies. In summary, this variant is a novel missense change that is not predicted to affect protein function. There is no indication that it causes disease, but the available evidence is currently insufficient to prove that conclusively. Therefore, it has been classified as a Variant of Uncertain Significance.

NM_016335.6(PRODH):c.1006G>A (p.Ala336Thr)

Gene: PRODH (proline dehydrogenase 1; minus strand). Cytogenetic location: 22q11.21.
Variant type: single nucleotide variant.
Coding change: c.1006G>A on transcript NM_016335.6 (MANE Select); coding-DNA position 1006, G replaced by A.
Protein change: p.Ala336Thr; replaces alanine 336 with threonine.
Molecular consequence: missense variant.
Genome position (GRCh38, 1-based): chr22:18,921,347, C>T on the plus strand (G>A on the coding strand, the complement: PRODH is on the minus strand). VCF-style: chr22-18921347-C-T. GRCh37 (hg19) VCF-style: chr22-18908860-C-T.
Other names: c.682G>A, p.Ala228Thr (NM_001195226.2); short protein forms A336T, A228T.
Identifiers: ClinVar variation 459907 (VCV000459907.2), dbSNP rs1160517835, ClinGen allele CA410646145.